The following is an entry in ClinVar:

NM_203290.4(POLR1C):c.335T>C (p.Leu112Pro)

Gene: POLR1C (RNA polymerase I and III subunit C; plus strand). Cytogenetic location: 6p21.1.
Variant type: single nucleotide variant.
Coding change: c.335T>C on transcript NM_203290.4 (MANE Select); coding-DNA position 335, T replaced by C.
Protein change: p.Leu112Pro; replaces leucine 112 with proline.
Molecular consequence: missense variant.
Genome position (GRCh38, 1-based): chr6:43,519,791, T>C. VCF-style: chr6-43519791-T-C. GRCh37 (hg19) VCF-style: chr6-43487529-T-C.
Other names: c.335T>C, p.Leu112Pro (NM_001318876.2, NM_001363658.2); short protein forms L112P.
Identifiers: ClinVar variation 1446244 (VCV001446244.6), dbSNP rs1793042727, ClinGen allele CA364282906.

ClinVar aggregate classification (germline): Uncertain significance (1 of 4 stars; one submission).

Allele frequency attached by ClinVar (database versions not stated): gnomAD exomes below 0.00001; TOPMed below 0.00001.

Submission:

Labcorp Genetics (formerly Invitae), Labcorp
Classification: Uncertain significance. Last evaluated: 2021-12-02. Review status: criteria provided, single submitter. Criteria: Invitae Variant Classification Sherloc (09022015). Collection method: clinical testing. Allele origin: germline.
Comment: In summary, the available evidence is currently insufficient to determine the role of this variant in disease. Therefore, it has been classified as a Variant of Uncertain Significance. Algorithms developed to predict the effect of missense changes on protein structure and function are either unavailable or do not agree on the potential impact of this missense change (SIFT: "Not Available"; PolyPhen-2: "Probably Damaging"; Align-GVGD: "Not Available"). This variant has not been reported in the literature in individuals affected with POLR1C-related conditions. This variant is not present in population databases (gnomAD no frequency). This sequence change replaces leucine with proline at codon 112 of the POLR1C protein (p.Leu112Pro). The leucine residue is highly conserved and there is a moderate physicochemical difference between leucine and proline.